The following is an entry in ClinVar:

NM_005591.4(MRE11):c.2039T>C (p.Val680Ala)

Gene: MRE11 (MRE11 double strand break repair nuclease; minus strand). Cytogenetic location: 11q21.
Variant type: single nucleotide variant.
Coding change: c.2039T>C on transcript NM_005591.4 (MANE Select); coding-DNA position 2039, T replaced by C.
Protein change: p.Val680Ala; replaces valine 680 with alanine.
Molecular consequence: missense variant.
Genome position (GRCh38, 1-based): chr11:94,429,942, A>G on the plus strand (T>C on the coding strand, the complement: MRE11 is on the minus strand). VCF-style: chr11-94429942-A-G. GRCh37 (hg19) VCF-style: chr11-94163108-A-G.
Other names: c.2036T>C, p.Val679Ala (NM_001330347.2); c.1955T>C, p.Val652Ala (NM_005590.4); short protein forms V652A, V679A, V680A.
Identifiers: ClinVar variation 1800281 (VCV001800281.2), dbSNP rs2496165674, ClinGen allele CA382373488.

ClinVar aggregate classification (germline): Uncertain significance (1 of 4 stars; one submission).

Conditions:
Hereditary cancer-predisposing syndrome. Also called: Neoplastic Syndromes, Hereditary; Tumor predisposition; Hereditary Cancer Syndrome; Hereditary neoplastic syndrome. Identifiers: Orphanet 140162, MedGen C0027672, MeSH D009386, MONDO:0015356.

Submission:

Ambry Genetics
Classification: Uncertain significance for Hereditary cancer-predisposing syndrome. Last evaluated: 2020-02-10. Review status: criteria provided, single submitter. Criteria: Ambry Variant Classification Scheme 2023. Collection method: clinical testing. Allele origin: germline.
Comment: The p.V680A variant (also known as c.2039T>C), located in coding exon 18 of the MRE11A gene, results from a T to C substitution at nucleotide position 2039. The valine at codon 680 is replaced by alanine, an amino acid with similar properties. This amino acid position is poorly conserved in available vertebrate species. In addition, this alteration is predicted to be tolerated by in silico analysis. Since supporting evidence is limited at this time, the clinical significance of this alteration remains unclear.